The following is an entry in ClinVar:

NM_030957.4(ADAMTS10):c.1294G>A (p.Val432Met)

Gene: ADAMTS10 (ADAM metallopeptidase with thrombospondin type 1 motif 10; minus strand). Cytogenetic location: 19p13.2.
Variant type: single nucleotide variant.
Coding change: c.1294G>A on transcript NM_030957.4 (MANE Select); coding-DNA position 1294, G replaced by A.
Protein change: p.Val432Met; replaces valine 432 with methionine.
Molecular consequence: missense variant.
Genome position (GRCh38, 1-based): chr19:8,596,116, C>T on the plus strand (G>A on the coding strand, the complement: ADAMTS10 is on the minus strand). VCF-style: chr19-8596116-C-T. GRCh37 (hg19) VCF-style: chr19-8661000-C-T.
Other names: short protein forms V432M.
Identifiers: ClinVar variation 1476493 (VCV001476493.5), dbSNP rs144634349, ClinGen allele CA9160558.
Genomic context (GRCh38, chr19:8,596,116, plus strand): 5'-CCCAGGTGCATCCTCACTCTAGAAAGCTGGTGATGTAGTCACGGCTGCAGGATGACCACA[C>T]GAATGGGTTGGTCTTCATGGTAATGTGGGCAGCCATGAGCTTGGCTGGGTCCTGACCACG-3'
Protein context (NP_112219.3, residues 422-442): AHITMKTNPF[Val432Met]WSSCSRDYIT

ClinVar aggregate classification (germline): Uncertain significance (1 of 4 stars; one submission).

Allele frequency attached by ClinVar (database versions not stated): gnomAD exomes 0.00001 and 0.00004; ExAC 0.00002; gnomAD 0.00002; TOPMed 0.00003; ESP Exome Variant Server 0.00008.
gnomAD v4.1: 22 of 1,614,064 alleles (0.0014%); highest among the groups gnomAD compares: East Asian, 0.018%; no homozygotes.

Submission:

Labcorp Genetics (formerly Invitae), Labcorp
Classification: Uncertain significance. Last evaluated: 2021-08-24. Review status: criteria provided, single submitter. Criteria: Invitae Variant Classification Sherloc (09022015). Collection method: clinical testing. Allele origin: germline.
Comment: This sequence change replaces valine with methionine at codon 432 of the ADAMTS10 protein (p.Val432Met). The valine residue is highly conserved and there is a small physicochemical difference between valine and methionine. This variant is present in population databases (rs144634349, ExAC 0.01%). This variant has not been reported in the literature in individuals affected with ADAMTS10-related conditions. Algorithms developed to predict the effect of missense changes on protein structure and function are either unavailable or do not agree on the potential impact of this missense change (SIFT: "Deleterious"; PolyPhen-2: "Probably Damaging"; Align-GVGD: "Class C0"). In summary, the available evidence is currently insufficient to determine the role of this variant in disease. Therefore, it has been classified as a Variant of Uncertain Significance.